The following is an entry in ClinVar:

ClinVar aggregate classification (germline): Uncertain significance (1 of 4 stars; one submission).

Conditions:
PSEN1-related disorder. Also called: PSEN1-related condition.

Submission:

3billion
Classification: Uncertain significance for PSEN1-related disorder. Last evaluated: 2024-08-02. Review status: criteria provided, single submitter. Criteria: ACMG Guidelines, 2015. Collection method: clinical testing. Allele origin: germline. Affected: yes.
Comment: The variant is not observed in the gnomAD v4.0.0 dataset. Predicted Consequence/Location: Missense changes are a common disease-causing mechanism. In silico tool predictions suggest damaging effect of the variant on gene or gene product [REVEL: 0.92 (>=0.6, sensitivity 0.68 and specificity 0.92); 3Cnet: 0.99 (>=0.6, sensitivity 0.72 and precision 0.9)]. Therefore, this variant is classified as VUS according to the recommendation of ACMG/AMP guideline.

NM_000021.4(PSEN1):c.1364C>T (p.Pro455Leu)

Gene: PSEN1 (presenilin 1; plus strand). Cytogenetic location: 14q24.2.
Variant type: single nucleotide variant.
Coding change: c.1364C>T on transcript NM_000021.4 (MANE Select); coding-DNA position 1364, C replaced by T.
Protein change: p.Pro455Leu; replaces proline 455 with leucine.
Molecular consequence: missense variant.
Genome position (GRCh38, 1-based): chr14:73,219,249, C>T. VCF-style: chr14-73219249-C-T. GRCh37 (hg19) VCF-style: chr14-73685957-C-T.
Other names: c.1352C>T, p.Pro451Leu (NM_007318.3); short protein forms P451L, P455L.
Identifiers: ClinVar variation 4291830 (VCV004291830.1).
Genomic context (GRCh38, chr14:73,219,249, plus strand): 5'-TTCCAATCTCCATCACCTTTGGGCTTGTTTTCTACTTTGCCACAGATTATCTTGTACAGC[C>T]TTTTATGGACCAATTAGCATTCCATCAATTTTATATCTAGCATATTTGCGGTTAGAATCC-3'
Protein context (NP_000012.1, residues 445-465): FYFATDYLVQ[Pro455Leu]FMDQLAFHQF